The following is an entry in ClinVar:

NM_003919.3(SGCE):c.557C>T (p.Ala186Val)

Genes: CASD1 (CAS1 domain sialic acid O acetyltransferase 1; plus strand), SGCE (sarcoglycan epsilon; minus strand). Cytogenetic location: 7q21.3.
Variant type: single nucleotide variant.
Coding change: c.557C>T on transcript NM_003919.3 (MANE Select); coding-DNA position 557, C replaced by T.
Protein change: p.Ala186Val; replaces alanine 186 with valine.
Molecular consequence: missense variant.
Genome position (GRCh38, 1-based): chr7:94,618,863, G>A on the plus strand (C>T on the coding strand, the complement: SGCE is on the minus strand). VCF-style: chr7-94618863-G-A. GRCh37 (hg19) VCF-style: chr7-94248175-G-A.
Other names: c.557C>T, p.Ala186Val (NM_001099400.2, NM_001099401.2, NM_001346717.2); c.434C>T, p.Ala145Val (NM_001301139.2, NM_001362809.2); c.665C>T, p.Ala222Val (NM_001346713.2, NM_001346715.2); c.470C>T, p.Ala157Val (NM_001346719.2, NM_001362807.2); c.284C>T, p.Ala95Val (NM_001346720.2, NM_001362808.2); short protein forms A157V, A222V, A95V, A145V, A186V.
Identifiers: ClinVar variation 2956367 (VCV002956367.3), dbSNP rs2485108862, ClinGen allele CA368235583.

ClinVar aggregate classification (germline): Uncertain significance (1 of 4 stars; one submission).

Conditions:
Myoclonic dystonia 11 (DYT11). Also called: Myoclonic dystonia; Dystonia 11; Dystonia, alcohol responsive; Hereditary essential myoclonus; SGCE Myoclonus-Dystonia; Myoclonus-Dystonia. Identifiers: Orphanet 36899, MedGen C1834570, MONDO:0008044, OMIM 159900.

Submission:

Labcorp Genetics (formerly Invitae), Labcorp
Classification: Uncertain significance for Myoclonic dystonia 11. Last evaluated: 2023-08-07. Review status: criteria provided, single submitter. Criteria: Invitae Variant Classification Sherloc (09022015). Collection method: clinical testing. Allele origin: germline.
Comment: In summary, the available evidence is currently insufficient to determine the role of this variant in disease. Therefore, it has been classified as a Variant of Uncertain Significance. Advanced modeling of protein sequence and biophysical properties (such as structural, functional, and spatial information, amino acid conservation, physicochemical variation, residue mobility, and thermodynamic stability) performed at Invitae indicates that this missense variant is not expected to disrupt SGCE protein function. This variant has not been reported in the literature in individuals affected with SGCE-related conditions. This variant is not present in population databases (gnomAD no frequency). This sequence change replaces alanine, which is neutral and non-polar, with valine, which is neutral and non-polar, at codon 186 of the SGCE protein (p.Ala186Val).